The following is an entry in ClinVar:

NM_001145809.2(MYH14):c.3153_3160del (p.Asn1052fs)

Gene: MYH14 (myosin heavy chain 14; plus strand). Cytogenetic location: 19q13.33.
Variant type: Deletion.
Coding change: c.3153_3160del on transcript NM_001145809.2 (MANE Select); coding-DNA positions 3153 to 3160, 8 bases deleted (GAATTCCA; older notation c.3153_3160delGAATTCCA).
Protein change: p.Asn1052fs; shifts the reading frame from asparagine 1052.
Molecular consequence: frameshift variant.
Genome position (GRCh38, 1-based): chr19:50,271,528-50,271,535, GAATTCCA deleted; deleting any 8 consecutive bases within chr19:50,271,525-50,271,535 gives the same sequence; the c. name uses the placement nearest the transcript's 3' end. VCF-style (leftmost placement, unchanged base first): chr19-50271524-ACCAGAATT-A. GRCh37 (hg19) VCF-style: chr19-50774781-ACCAGAATT-A.
Other names: c.3153_3160del8 (NM_001145809.1); c.3054_3061del, p.Asn1019fs (NM_001077186.2); c.3030_3037del, p.Asn1011fs (NM_024729.4); short protein forms N1052fs, N1011fs, N1019fs.
Identifiers: ClinVar variation 2892776 (VCV002892776.4), dbSNP rs1208834216, ClinGen allele CA633679039.

ClinVar aggregate classification (germline): Pathogenic. Review status: criteria provided, single submitter (1 of 4 stars). 2 submissions from 2 submitters: Pathogenic (1). 1 of the submissions does not count toward it. Last evaluated 2024-01-29.

Conditions:
MYH14-related disorder. Also called: MYH14-related condition.

Submissions (2):

Labcorp Genetics (formerly Invitae), Labcorp
Classification: Pathogenic. Last evaluated: 2024-01-29. Review status: criteria provided, single submitter. Criteria: Invitae Variant Classification Sherloc (09022015). Collection method: clinical testing. Allele origin: germline.
Comment: This sequence change creates a premature translational stop signal (p.Asn1011Alafs*21) in the MYH14 gene. It is expected to result in an absent or disrupted protein product. Loss-of-function variants in MYH14 are known to be pathogenic (PMID: 15015131, 28221712). This variant is present in population databases (no rsID available, gnomAD 0.02%). This variant has not been reported in the literature in individuals affected with MYH14-related conditions. For these reasons, this variant has been classified as Pathogenic.

PreventionGenetics, part of Exact Sciences
Classification: Uncertain significance for MYH14-related condition. Last evaluated: 2024-04-04. Review status: no assertion criteria provided. Collection method: clinical testing. Allele origin: germline. Not counted in ClinVar's aggregate classification.
Comment: The MYH14 c.3153_3160del8 variant is predicted to result in a frameshift and premature protein termination (p.Asn1052Alafs*21). To our knowledge, this variant has not been reported in the literature. This variant is reported in 0.023% of alleles in individuals of African descent in gnomAD. At this time, the clinical significance of this variant is uncertain due to the absence of conclusive functional and genetic evidence.

Literature cited by the submitters: PubMed 15015131 (cited by Labcorp Genetics (formerly Invitae), Labcorp); PubMed 28221712 (cited by Labcorp Genetics (formerly Invitae), Labcorp).